The following is an entry in ClinVar:

ClinVar aggregate classification (germline): Uncertain significance. Review status: criteria provided, multiple submitters, no conflicts (2 of 4 stars). 2 submissions from 2 submitters: Uncertain significance (2). Last evaluated 2025-10-01.

Conditions:
Axenfeld-Rieger syndrome type 3 (RIEG3). Also called: AXENFELD-RIEGER ANOMALY WITH CARDIAC DEFECTS AND/OR SENSORINEURAL HEARING LOSS. Identifiers: Orphanet 782, MedGen C2678503, MONDO:0011233, OMIM 602482.
Inborn genetic diseases. Identifiers: MedGen C0950123, MeSH D030342.

Allele frequency attached by ClinVar (database versions not stated): TOPMed 0.00001.
gnomAD v4.1: 4 of 1,334,482 alleles (0.0003%); highest among the groups gnomAD compares: Non-Finnish European, 0.00029%; no homozygotes.

Submissions (2):

Labcorp Genetics (formerly Invitae), Labcorp
Classification: Uncertain significance for Axenfeld-Rieger syndrome type 3. Last evaluated: 2025-10-01. Review status: criteria provided, single submitter. Criteria: Invitae Variant Classification Sherloc (09022015). Collection method: clinical testing. Allele origin: germline.
Comment: This sequence change replaces serine, which is neutral and polar, with phenylalanine, which is neutral and non-polar, at codon 359 of the FOXC1 protein (p.Ser359Phe). This variant is not present in population databases (gnomAD no frequency). This variant has not been reported in the literature in individuals affected with FOXC1-related conditions. ClinVar contains an entry for this variant (Variation ID: 2717417). An algorithm developed to predict the effect of missense changes on protein structure and function (PolyPhen-2) suggests that this variant is likely to be disruptive. In summary, the available evidence is currently insufficient to determine the role of this variant in disease. Therefore, it has been classified as a Variant of Uncertain Significance.

Ambry Genetics
Classification: Uncertain significance for Inborn genetic diseases. Last evaluated: 2025-08-27. Review status: criteria provided, single submitter. Criteria: Ambry Variant Classification Scheme 2023. Collection method: clinical testing. Allele origin: germline.

NM_001453.3(FOXC1):c.1076C>T (p.Ser359Phe)

Gene: FOXC1 (forkhead box C1; plus strand). Cytogenetic location: 6p25.3.
Variant type: single nucleotide variant.
Coding change: c.1076C>T on transcript NM_001453.3 (MANE Select); coding-DNA position 1076, C replaced by T.
Protein change: p.Ser359Phe; replaces serine 359 with phenylalanine.
Molecular consequence: missense variant.
Genome position (GRCh38, 1-based): chr6:1,611,521, C>T. VCF-style: chr6-1611521-C-T. GRCh37 (hg19) VCF-style: chr6-1611756-C-T.
Other names: c.1076C>T (NM_001453.2); short protein forms S359F.
Identifiers: ClinVar variation 2717417 (VCV002717417.4), dbSNP rs1428492391, ClinGen allele CA362560163.